The following is an entry in ClinVar:

NM_000238.4(KCNH2):c.2336T>G (p.Leu779Arg)

Gene: KCNH2 (potassium voltage-gated channel subfamily H member 2; minus strand). Cytogenetic location: 7q36.1.
Variant type: single nucleotide variant.
Coding change: c.2336T>G on transcript NM_000238.4 (MANE Select); coding-DNA position 2336, T replaced by G.
Protein change: p.Leu779Arg; replaces leucine 779 with arginine.
Molecular consequence: missense variant. On other transcripts: non-coding transcript variant (2).
Genome position (GRCh38, 1-based): chr7:150,950,230, A>C on the plus strand (T>G on the coding strand, the complement: KCNH2 is on the minus strand). VCF-style: chr7-150950230-A-C. GRCh37 (hg19) VCF-style: chr7-150647318-A-C.
Other names: c.1316T>G, p.Leu439Arg (NM_001204798.2, NM_172057.3); c.2048T>G, p.Leu683Arg (NM_001406753.1, NM_001406756.1); c.2159T>G, p.Leu720Arg (NM_001406755.1); c.2336T>G, p.Leu779Arg (NM_172056.3); c.2036T>G, p.Leu679Arg (NM_001406757.1); short protein forms L683R, L679R, L439R, L720R, L779R.
Identifiers: ClinVar variation 3726984 (VCV003726984.2).
Genomic context (GRCh38, chr7:150,950,230, plus strand): 5'-AGGATGGCCACGACGACGTCGCCCCGCAGGATCTCGATGGAGCCCCGGGAGATGAAGTAC[A>C]GGGCGGTGAGCAGGTCCCCAGCATGCACCAGTGTGTCCCCTGGCGGTGCATGTGTGGTCT-3'
Protein context (NP_000229.1, residues 769-789): LVHAGDLLTA[Leu779Arg]YFISRGSIEI

ClinVar aggregate classification (germline): Uncertain significance (1 of 4 stars; one submission).

Conditions:
Long QT syndrome (LQTS). Identifiers: MedGen C0023976, MeSH D008133, MONDO:0002442. Disease mechanism: loss of function. Inheritance: Various modes of inheritance.

Submission:

Labcorp Genetics (formerly Invitae), Labcorp
Classification: Uncertain significance for Long QT syndrome. Last evaluated: 2024-12-10. Review status: criteria provided, single submitter. Criteria: Invitae Variant Classification Sherloc (09022015). Collection method: clinical testing. Allele origin: germline.
Comment: This sequence change replaces leucine, which is neutral and non-polar, with arginine, which is basic and polar, at codon 779 of the KCNH2 protein (p.Leu779Arg). This variant is not present in population databases (gnomAD no frequency). This variant has not been reported in the literature in individuals affected with KCNH2-related conditions. An algorithm developed to predict the effect of missense changes on protein structure and function (PolyPhen-2) suggests that this variant is likely to be disruptive. In summary, the available evidence is currently insufficient to determine the role of this variant in disease. Therefore, it has been classified as a Variant of Uncertain Significance.